The following is an entry in ClinVar:

NM_000558.5(HBA1):c.84G>T (p.Glu28Asp)

Genes: HBA1 (hemoglobin subunit alpha 1; plus strand), LOC106804613 (hemoglobin subunit alpha 1 recombination region; plus strand). Cytogenetic location: 16p13.3.
Variant type: single nucleotide variant.
Coding change: c.84G>T on transcript NM_000558.5 (MANE Select); coding-DNA position 84, G replaced by T.
Protein change: p.Glu28Asp; replaces glutamic acid 28 with aspartic acid.
Molecular consequence: missense variant.
Genome position (GRCh38, 1-based): chr16:176,800, G>T. VCF-style: chr16-176800-G-T. GRCh37 (hg19) VCF-style: chr16-226799-G-T.
Other names: E27D; short protein forms E28D.
Identifiers: ClinVar variation 15742 (VCV000015742.18), dbSNP rs41530750, ClinGen allele CA125753.
Genomic context (GRCh38, chr16:176,800, plus strand): 5'-GACCAACGTCAAGGCCGCCTGGGGTAAGGTCGGCGCGCACGCTGGCGAGTATGGTGCGGA[G>T]GCCCTGGAGAGGTGAGGCTCCCTCCCCTGCTCCGACCCGGGCTCCTCGCCCGCCCGGACC-3'
Protein context (NP_000549.1, residues 18-38): VGAHAGEYGA[Glu28Asp]ALERMFLSFP

ClinVar aggregate classification (germline): Conflicting classifications of pathogenicity. Review status: criteria provided, conflicting classifications (1 of 4 stars). 3 submissions from 3 submitters: Uncertain significance (1); Likely benign (1). 1 of the submissions does not count toward it. Last evaluated 2024-04-01.

Conditions:
HEMOGLOBIN HEKINAN.

Submissions (3):

ARUP Laboratories, Molecular Genetics and Genomics, ARUP Laboratories
Classification: Likely benign. Last evaluated: 2024-04-01. Review status: criteria provided, single submitter. Criteria: ARUP Molecular Germline Variant Investigation Process 2024. Collection method: clinical testing. Allele origin: germline.
Comment: The Hb Hekinan II variant (HBA1: c.84G>T; p.Glu28Asp, also known as Glu27Asp when numbered from the mature protein, rs41530750, HbVar ID: 3011) is described in the literature as a non-pathogenic variant observed in heterozygous individuals without clinical symptoms and with normal hematology (Yao 2013, HbVar database). When observed in individuals with alpha globin deletions (--SEA deletion, -3.7 deletion), Hb Hekinan II is not associated with a worsening of clinical symptoms or more severe hematological parameters (Chunpanich 2004, Fucharoen 2003, Ngiwsara 2004). This variant is reported in ClinVar (Variation ID: 15742) and is found on only two chromosomes in the Genome Aggregation Database indicating it is not a common polymorphism. The glutamate at codon 28 is highly conserved, computational analyses predict that this variant is deleterious (REVEL: 0.761). Based on available information, the Hb Hekinan II variant is considered to be likely benign. References: Link to HbVar: Chunpanich S et al. Laboratory diagnosis of a compound heterozygosity for Hb Hekinan [alpha27(B8) Glu-Asp] and a deletional alpha-thalassaemia 2 in Thailand. Clin Lab Haematol. 2004 Oct;26(5):355-8. PMID: 15485467. Fucharoen S et al. Complex interaction of Hb Hekinan [alpha27(B8) Glu-Asp] and Hb E [beta26(B8) Glu-Lys] with a deletional alpha-thalassemia 1 in a Thai family. Eur J Haematol. 2003 May;70(5):304-9. PMID: 12694166. Ngiwsara L et al. Two cases of compound heterozygosity for Hb Hekinan [alpha27(B8)Glu-->Asp (alpha1)] and alpha-thalassemia in Thailand. Hemoglobin. 2004 May;28(2):145-50. PMID: 15182057. Yao XY et al. Prevalence and genetic analysis of a-thalassemia and ÃŸ-thalassemia in Chongqing area of China. Gene. 2013 Dec 10;532(1):120-4. PMID: 24055728.

Quest Diagnostics Nichols Institute San Juan Capistrano
Classification: Uncertain significance. Last evaluated: 2020-08-04. Review status: criteria provided, single submitter. Criteria: Quest Diagnostics criteria. Collection method: clinical testing. Allele origin: unknown.
Comment: In the published literature, the variant has been reported as having normal stability and function (PMID: 3384699 (1988)). Heterozygosity for this variant is associated with a normal clinical presentation (PMID: 1983218 (1990)). Analysis of this variant using bioinformatics tools for the prediction of the effect of amino acid changes on protein structure and function yielded conflicting predictions that this variant is deleterious or benign. Based on the available information, we are unable to determine the clinical significance of this variant.

OMIM
Classification: other for HEMOGLOBIN HEKINAN. Last evaluated: 2016-07-20. Review status: no assertion criteria provided. Collection method: literature only. Allele origin: germline. Not counted in ClinVar's aggregate classification.

Literature cited by the submitters: PubMed 31980563 (cited by Quest Diagnostics Nichols Institute San Juan Capistrano); PubMed 24200101 (cited by Quest Diagnostics Nichols Institute San Juan Capistrano); PubMed 26635043 (cited by Quest Diagnostics Nichols Institute San Juan Capistrano); PubMed 24055728 (cited by Quest Diagnostics Nichols Institute San Juan Capistrano); PubMed 28865746 (cited by Quest Diagnostics Nichols Institute San Juan Capistrano); PubMed 3384699 (cited by Quest Diagnostics Nichols Institute San Juan Capistrano and OMIM); PubMed 1983218 (cited by Quest Diagnostics Nichols Institute San Juan Capistrano and OMIM); PubMed 15182057 (cited by Quest Diagnostics Nichols Institute San Juan Capistrano and OMIM).